The following is an entry in ClinVar:

ClinVar aggregate classification (germline): Uncertain significance (1 of 4 stars; one submission).

Submission:

GeneDx
Classification: Uncertain significance. Last evaluated: 2024-09-30. Review status: criteria provided, single submitter. Criteria: GeneDx Variant Classification Process June 2021. Collection method: clinical testing. Allele origin: germline. Affected: yes.
Comment: Not observed at significant frequency in large population cohorts (gnomAD); In silico analysis supports that this missense variant has a deleterious effect on protein structure/function; Has not been previously published as pathogenic or benign to our knowledge

NM_006828.4(ASCC3):c.4972C>G (p.His1658Asp)

Gene: ASCC3 (activating signal cointegrator 1 complex subunit 3; minus strand). Cytogenetic location: 6q16.3.
Variant type: single nucleotide variant.
Coding change: c.4972C>G on transcript NM_006828.4 (MANE Select); coding-DNA position 4972, C replaced by G.
Protein change: p.His1658Asp; replaces histidine 1658 with aspartic acid.
Molecular consequence: missense variant.
Genome position (GRCh38, 1-based): chr6:100,606,812, G>C on the plus strand (C>G on the coding strand, the complement: ASCC3 is on the minus strand). VCF-style: chr6-100606812-G-C. GRCh37 (hg19) VCF-style: chr6-101054688-G-C.
Other names: short protein forms H1658D.
Identifiers: ClinVar variation 3774735 (VCV003774735.1).